The following is an entry in ClinVar:

NM_002709.3(PPP1CB):c.76A>C (p.Ile26Leu)

Gene: PPP1CB (protein phosphatase 1 catalytic subunit beta; plus strand). Cytogenetic location: 2p23.2.
Variant type: single nucleotide variant.
Coding change: c.76A>C on transcript NM_002709.3 (MANE Select); coding-DNA position 76, A replaced by C.
Protein change: p.Ile26Leu; replaces isoleucine 26 with leucine.
Molecular consequence: missense variant.
Genome position (GRCh38, 1-based): chr2:28,776,874, A>C. VCF-style: chr2-28776874-A-C. GRCh37 (hg19) VCF-style: chr2-28999740-A-C.
Other names: c.76A>C, p.Ile26Leu (NM_206876.2); short protein forms I26L.
Identifiers: ClinVar variation 3648639 (VCV003648639.2).

ClinVar aggregate classification (germline): Uncertain significance (1 of 4 stars; one submission).

Submission:

Labcorp Genetics (formerly Invitae), Labcorp
Classification: Uncertain significance. Last evaluated: 2025-12-08. Review status: criteria provided, single submitter. Criteria: Invitae Variant Classification Sherloc (09022015). Collection method: clinical testing. Allele origin: germline.
Comment: This sequence change replaces isoleucine, which is neutral and non-polar, with leucine, which is neutral and non-polar, at codon 26 of the PPP1CB protein (p.Ile26Leu). This variant is not present in population databases (gnomAD no frequency). This variant has not been reported in the literature in individuals affected with PPP1CB-related conditions. ClinVar contains an entry for this variant (Variation ID: 3648639). Invitae Evidence Modeling of protein sequence and biophysical properties (such as structural, functional, and spatial information, amino acid conservation, physicochemical variation, residue mobility, and thermodynamic stability) indicates that this missense variant is not expected to disrupt PPP1CB protein function with a negative predictive value of 80%. In summary, the available evidence is currently insufficient to determine the role of this variant in disease. Therefore, it has been classified as a Variant of Uncertain Significance.